The following is an entry in ClinVar:

ClinVar aggregate classification (germline): Pathogenic (1 of 4 stars; one submission).

Submission:

GeneDx
Classification: Pathogenic. Last evaluated: 2016-06-07. Review status: criteria provided, single submitter. Criteria: GeneDx Variant Classification (06012015). Collection method: clinical testing. Allele origin: germline. Affected: yes.
Comment: The K838X pathogenic variant in the CASK gene has not been reported previously as a pathogenic variant nor as a benign variant, to our knowledge. This variant is predicted to cause loss of normal protein function either through protein truncation or nonsense-mediated mRNA decay. The K838X variant was not observed in approximately 6500 individuals of European and African American ancestry in the NHLBI Exome Sequencing Project, indicating it is not a common benign variant in these populations. We interpret K838X as a pathogenic variant.

NM_001367721.1(CASK):c.2527A>T (p.Lys843Ter)

Gene: CASK (calcium/calmodulin dependent serine protein kinase; minus strand). Cytogenetic location: Xp11.4.
Variant type: single nucleotide variant.
Coding change: c.2527A>T on transcript NM_001367721.1 (MANE Select); coding-DNA position 2527, A replaced by T.
Protein change: p.Lys843Ter; replaces lysine 843 with a stop codon.
Molecular consequence: nonsense.
Genome position (GRCh38, 1-based): chrX:41,524,028, T>A on the plus strand (A>T on the coding strand, the complement: CASK is on the minus strand). VCF-style: chrX-41524028-T-A. GRCh37 (hg19) VCF-style: chrX-41383281-T-A.
Other names: c.2443A>T, p.Lys815Ter (NM_001126054.3); c.2440A>T, p.Lys814Ter (NM_001126055.3); c.2509A>T, p.Lys837Ter (NM_001410745.1); c.2512A>T, p.Lys838Ter (NM_003688.4); short protein forms K838*, K815*, K814*, K843*, K837*.
Identifiers: ClinVar variation 265594 (VCV000265594.2), dbSNP rs886039651, ClinGen allele CA10588781.
Genomic context (GRCh38, chrX:41,524,028, plus strand): 5'-TAATAGTTGGTGCAGCAATGAAAACAACAAAAGGAGCAAACTCTGCAGTTCTCAGGACCT[T>A]CAGTGCCTGTGTTAAGAAAAAAAAAAAAAATCCCGACTTAAAAGAAGAAATAACTAATGT-3'